The following is an entry in ClinVar:

ClinVar aggregate classification (germline): Pathogenic. Review status: criteria provided, multiple submitters, no conflicts (2 of 4 stars). 3 submissions from 3 submitters: Pathogenic (3). Last evaluated 2026-03-17.

Conditions:
Cardiovascular phenotype. Identifiers: MedGen CN230736.
Hypertrophic cardiomyopathy. Also called: HYPERTROPHIC MYOCARDIOPATHY. Identifiers: Orphanet 217569, MedGen C0007194, MeSH D002312, MONDO:0005045, HP:0001639.

Submissions (3):

Ambry Genetics
Classification: Pathogenic for Cardiovascular phenotype. Last evaluated: 2026-03-17. Review status: criteria provided, single submitter. Criteria: Ambry Variant Classification Scheme 2023. Collection method: clinical testing. Allele origin: germline.
Comment: The c.182delG pathogenic mutation, located in coding exon 2 of the MYBPC3 gene, results from a deletion of one nucleotide at nucleotide position 182, causing a translational frameshift with a predicted alternate stop codon (p.G61Afs*6). This variant was reported in individual(s) with features consistent with hypertrophic cardiomyopathy (Ambry internal data). This variant is considered to be rare based on population cohorts in the Genome Aggregation Database (gnomAD). This alteration is expected to result in loss of function by premature protein truncation or nonsense-mediated mRNA decay. As such, this alteration is interpreted as a disease-causing mutation.

Labcorp Genetics (formerly Invitae), Labcorp
Classification: Pathogenic for Hypertrophic cardiomyopathy. Last evaluated: 2020-02-05. Review status: criteria provided, single submitter. Criteria: Invitae Variant Classification Sherloc (09022015). Collection method: clinical testing. Allele origin: germline.
Comment: For these reasons, this variant has been classified as Pathogenic. Loss-of-function variants in MYBPC3 are known to be pathogenic (PMID: 19574547). This variant has not been reported in the literature in individuals with MYBPC3-related conditions. ClinVar contains an entry for this variant (Variation ID: 181090). This variant is not present in population databases (ExAC no frequency). This sequence change creates a premature translational stop signal (p.Gly61Alafs*6) in the MYBPC3 gene. It is expected to result in an absent or disrupted protein product.

GeneDx
Classification: Pathogenic. Last evaluated: 2013-05-14. Review status: criteria provided, single submitter. Criteria: GeneDx Variant Classification (06012015). Collection method: clinical testing. Allele origin: germline. Affected: yes.
Comment: Although the c.182delG mutation in the MYBPC3 gene has not been reported to our knowledge, this mutation causes a shift in reading frame starting at codon Glycine 61, changing it to an Alanine, and creating a premature stop codon at position 6 of the new reading frame, denoted p.Gly61AlafsX6. This mutation is expected to result in either an abnormal, truncated protein product or loss of protein from this allele through nonsense-mediated mRNA decay. Other frameshift mutations in the MYBPC3 gene have been reported in association with HCM. In addition, c.182delG was not observed in approximately 6,000 individuals of European and African American ancestry in the NHLBI Exome Sequencing Project, indicating it is not a common benign variant in these populations.In summary, c.182delG in the MYBPC3 gene is interpreted as a disease-causing mutation.

Literature cited by the submitters: PubMed 19574547 (cited by Labcorp Genetics (formerly Invitae), Labcorp).

NM_000256.3(MYBPC3):c.182del (p.Gly61fs)

Gene: MYBPC3 (myosin binding protein C3; minus strand). Cytogenetic location: 11p11.2.
Variant type: Deletion.
Coding change: c.182del on transcript NM_000256.3 (MANE Select); coding-DNA position 182, one base deleted (G; older notation c.182delG).
Protein change: p.Gly61fs; shifts the reading frame from glycine 61.
Molecular consequence: frameshift variant.
Genome position (GRCh38, 1-based): chr11:47,351,349, C deleted on the plus strand (G on the coding strand, the reverse complement: MYBPC3 is on the minus strand); the first of 3 consecutive C bases (chr11:47,351,349-47,351,351); deleting any one gives the same sequence. VCF-style (leftmost placement, unchanged base first): chr11-47351348-GC-G. GRCh37 (hg19) VCF-style: chr11-47372899-GC-G.
Other names: c.182delG (NM_000256.3); c.182del, p.Gly61fs (LRG_386t1); short protein forms G61fs.
Identifiers: ClinVar variation 181090 (VCV000181090.10), dbSNP rs730880663, ClinGen allele CA011301.